The following is an entry in ClinVar:

NM_001127511.3(APC):c.135T>A (p.Arg45=)

Gene: APC (APC regulator of Wnt signaling pathway; plus strand). Cytogenetic location: 5q22.2.
Variant type: single nucleotide variant.
Coding change: c.135T>A on transcript NM_001127511.3; coding-DNA position 135, T replaced by A.
Protein change: p.Arg45=; no amino-acid change (arginine 45 retained).
Molecular consequence: synonymous variant. On other transcripts: 5 prime UTR variant (8), non-coding transcript variant (1), intron variant (5).
Genome position (GRCh38, 1-based): chr5:112,707,852, T>A. VCF-style: chr5-112707852-T-A. GRCh37 (hg19) VCF-style: chr5-112043549-T-A.
Other names: c.-1084T>A (NM_001407472.1, NM_001407470.1); c.-19+203T>A (NM_001407448.1, NM_001407450.1, NM_001407457.1 and 1 more transcripts); c.-43+203T>A (NM_001407453.1); c.-49T>A (NM_001354895.2, NM_001407447.1, NM_001407452.1 and 3 more transcripts); c.135T>A, p.Arg45= (NM_001354897.2, NM_001354902.2, NM_001407446.1).
Identifiers: ClinVar variation 3658242 (VCV003658242.2).

ClinVar aggregate classification (germline): Uncertain significance (1 of 4 stars; one submission).

Conditions:
Familial adenomatous polyposis 1 (FAP1). Also called: FAMILIAL ADENOMATOUS POLYPOSIS 1, ATTENUATED; POLYPOSIS, ADENOMATOUS INTESTINAL. Identifiers: MedGen C2713442, MONDO:0021056, OMIM 175100. Disease mechanism: loss of function.

Submission:

Labcorp Genetics (formerly Invitae), Labcorp
Classification: Uncertain significance for Familial adenomatous polyposis 1. Last evaluated: 2024-06-30. Review status: criteria provided, single submitter. Criteria: Invitae Variant Classification Sherloc (09022015). Collection method: clinical testing. Allele origin: germline.
Comment: This variant occurs in a non-coding region of the APC gene. It does not change the encoded amino acid sequence of the APC protein. This variant is not present in population databases (gnomAD no frequency). This variant has not been reported in the literature in individuals affected with APC-related conditions. Experimental studies and prediction algorithms are not available or were not evaluated, and the functional significance of this variant is currently unknown. In summary, the available evidence is currently insufficient to determine the role of this variant in disease. Therefore, it has been classified as a Variant of Uncertain Significance.